The following is an entry in ClinVar:

NM_198253.3(TERT):c.2284C>T (p.His762Tyr)

Gene: TERT (telomerase reverse transcriptase; minus strand). Cytogenetic location: 5p15.33.
Variant type: single nucleotide variant.
Coding change: c.2284C>T on transcript NM_198253.3 (MANE Select); coding-DNA position 2284, C replaced by T.
Protein change: p.His762Tyr; replaces histidine 762 with tyrosine.
Molecular consequence: missense variant. On other transcripts: non-coding transcript variant (2).
Genome position (GRCh38, 1-based): chr5:1,278,643, G>A on the plus strand (C>T on the coding strand, the complement: TERT is on the minus strand). VCF-style: chr5-1278643-G-A. GRCh37 (hg19) VCF-style: chr5-1278758-G-A.
Other names: c.2284C>T, p.His762Tyr (NM_001193376.3, NM_003219.1); short protein forms H762Y.
Identifiers: ClinVar variation 2105356 (VCV002105356.4), dbSNP rs2478267350, ClinGen allele CA359078649.

ClinVar aggregate classification (germline): Uncertain significance (1 of 4 stars; one submission).

Conditions:
Idiopathic Pulmonary Fibrosis. Also called: Idiopathic fibrosing alveolitis, chronic form; idiopathic fibrosing alveolitis. Identifiers: Orphanet 2032, MedGen C1800706, MeSH D054990, MONDO:0800504.
Dyskeratosis congenita, autosomal dominant 2. Identifiers: MedGen C3151443, MONDO:0013521, OMIM 613989.

Submission:

Labcorp Genetics (formerly Invitae), Labcorp
Classification: Uncertain significance for Dyskeratosis congenita, autosomal dominant 2; Idiopathic Pulmonary Fibrosis. Last evaluated: 2022-03-01. Review status: criteria provided, single submitter. Criteria: Invitae Variant Classification Sherloc (09022015). Collection method: clinical testing. Allele origin: germline.
Comment: In summary, the available evidence is currently insufficient to determine the role of this variant in disease. Therefore, it has been classified as a Variant of Uncertain Significance. Algorithms developed to predict the effect of missense changes on protein structure and function are either unavailable or do not agree on the potential impact of this missense change (SIFT: "Tolerated"; PolyPhen-2: "Possibly Damaging"; Align-GVGD: "Class C0"). This variant has not been reported in the literature in individuals affected with TERT-related conditions. This variant is not present in population databases (gnomAD no frequency). This sequence change replaces histidine, which is basic and polar, with tyrosine, which is neutral and polar, at codon 762 of the TERT protein (p.His762Tyr).